The following is an entry in ClinVar:

ClinVar aggregate classification (germline): Uncertain significance (1 of 4 stars; one submission).

Conditions:
Primary ciliary dyskinesia. Also called: Ciliary dyskinesia. Identifiers: Orphanet 244, MedGen C0008780, MONDO:0016575, HP:0012265.

Submission:

Department of Human Genetics, Hannover Medical School
Classification: Uncertain significance for Primary Ciliary Dyskinesia. Last evaluated: 2026-04-01. Review status: criteria provided, single submitter. Criteria: ACMG Guidelines, 2015. Collection method: research. Allele origin: germline. Affected: no.
Comment: Classification performed by HerediClassify using the following criteria:['PM2_supporting: Variant occures does not occur as homozygous in gnomAD.', 'PVS1_protein_strong: Transcript ENST00000337428 is not predicted to undergo NMD. Protein length change of 0.9552772808586762 observed.']

NM_144702.3(LRRC71):c.67del (p.Ser23fs)

Gene: LRRC71 (leucine rich repeat containing 71; plus strand). Cytogenetic location: 1q23.1.
Variant type: Deletion.
Coding change: c.67del on transcript NM_144702.3 (MANE Select); coding-DNA position 67, one base deleted (T; older notation c.67delT).
Protein change: p.Ser23fs; shifts the reading frame from serine 23.
Molecular consequence: frameshift variant.
Genome position (GRCh38, 1-based): chr1:156,920,870, T deleted; the last of 2 consecutive T bases (chr1:156,920,869-156,920,870); deleting either gives the same sequence. VCF-style (leftmost placement, unchanged base first): chr1-156920868-CT-C. GRCh37 (hg19) VCF-style: chr1-156890660-CT-C.
Other names: short protein forms S23fs.
Identifiers: ClinVar variation 4880084 (VCV004880084.1).